The following is an entry in ClinVar:

ClinVar aggregate classification (germline): Conflicting classifications of pathogenicity. Review status: criteria provided, conflicting classifications (1 of 4 stars). 2 submissions from 2 submitters: Uncertain significance (1); Benign (1). Last evaluated 2026-06-20.

Conditions:
Heterotopia, periventricular, X-linked dominant (PVNH1). Also called: PERIVENTRICULAR NODULAR HETEROTOPIA 1; X-linked periventricular heterotopia; PERIVENTRICULAR NODULAR HETEROTOPIA 4; HETEROTOPIA, PERIVENTRICULAR, 1. Identifiers: Orphanet 2149, Orphanet 82004, MedGen C1848213, MONDO:0010233, OMIM 300049.
Oto-palato-digital syndrome, type II (OPD2). Also called: Otopalatodigital Syndrome, Type II; FACIOPALATOOSSEOUS SYNDROME; OPD II SYNDROME; Otopalatodigital Syndrome Type 2 (FLNA-OPD2). Identifiers: Orphanet 669, Orphanet 90652, MedGen C1844696, MONDO:0010571, OMIM 304120.
Frontometaphyseal dysplasia (FMD1). Identifiers: Orphanet 1826, MedGen C0265293, MONDO:0015942.
Melnick-Needles syndrome (MNS). Also called: MELNICK-NEEDLES OSTEODYSPLASTY; OSTEODYSPLASTY OF MELNICK AND NEEDLES; Melnick-Needles Syndrome (FLNA-MNS). Identifiers: Orphanet 2484, MedGen C0025237, MONDO:0010650, OMIM 309350.
Familial thoracic aortic aneurysm and aortic dissection (TAAD). Also called: Thoracic aortic aneurysms and dissections. Identifiers: Orphanet 91387, MedGen C4707243, MONDO:0019625.

Allele frequency attached by ClinVar (database versions not stated): ExAC 0.00001; gnomAD exomes 0.00001.
gnomAD v4.1: 3 of 1,211,924 alleles (0.00025%); highest among the groups gnomAD compares: South Asian, 0.0018%; no homozygotes.

Submissions (2):

Ambry Genetics
Classification: Uncertain significance for Familial thoracic aortic aneurysm and aortic dissection. Last evaluated: 2026-06-20. Review status: criteria provided, single submitter. Criteria: Ambry Variant Classification Scheme 2023. Collection method: clinical testing. Allele origin: germline.
Comment: The p.K2507R variant (also known as c.7520A>G), located in coding exon 44 of the FLNA gene, results from an A to G substitution at nucleotide position 7520. The lysine at codon 2507 is replaced by arginine, an amino acid with highly similar properties. This amino acid position is conserved. In addition, this alteration is predicted to be tolerated by in silico analysis. Based on the available evidence, the clinical significance of this variant remains unclear.

Labcorp Genetics (formerly Invitae), Labcorp
Classification: Benign for Oto-palato-digital syndrome, type II; Heterotopia, periventricular, X-linked dominant; Frontometaphyseal dysplasia; Melnick-Needles syndrome. Last evaluated: 2023-07-07. Review status: criteria provided, single submitter. Criteria: Invitae Variant Classification Sherloc (09022015). Collection method: clinical testing. Allele origin: germline.

NM_001110556.2(FLNA):c.7544A>G (p.Lys2515Arg)

Gene: FLNA (filamin A; minus strand). Cytogenetic location: Xq28.
Variant type: single nucleotide variant.
Coding change: c.7544A>G on transcript NM_001110556.2 (MANE Select); coding-DNA position 7544, A replaced by G.
Protein change: p.Lys2515Arg; replaces lysine 2515 with arginine.
Molecular consequence: missense variant.
Genome position (GRCh38, 1-based): chrX:154,349,657, T>C on the plus strand (A>G on the coding strand, the complement: FLNA is on the minus strand). VCF-style: chrX-154349657-T-C. GRCh37 (hg19) VCF-style: chrX-153578025-T-C.
Other names: c.7520A>G, p.Lys2507Arg (NM_001456.4); short protein forms K2507R, K2515R.
Identifiers: ClinVar variation 465021 (VCV000465021.11), dbSNP rs782442409, ClinGen allele CA10559881.